The following is an entry in ClinVar:

ClinVar aggregate classification (germline): Uncertain significance (1 of 4 stars; one submission).

Conditions:
Hereditary cancer-predisposing syndrome. Also called: Neoplastic Syndromes, Hereditary; Tumor predisposition; Hereditary Cancer Syndrome; Hereditary neoplastic syndrome. Identifiers: Orphanet 140162, MedGen C0027672, MeSH D009386, MONDO:0015356.

Submission:

Ambry Genetics
Classification: Uncertain significance for Hereditary cancer-predisposing syndrome. Last evaluated: 2022-05-09. Review status: criteria provided, single submitter. Criteria: Ambry Variant Classification Scheme 2023. Collection method: clinical testing. Allele origin: germline.
Comment: The p.N266T variant (also known as c.797A>C), located in coding exon 6 of the STK11 gene, results from an A to C substitution at nucleotide position 797. The asparagine at codon 266 is replaced by threonine, an amino acid with similar properties. This amino acid position is conserved. In addition, this alteration is predicted to be tolerated by in silico analysis. Since supporting evidence is limited at this time, the clinical significance of this alteration remains unclear.

NM_000455.5(STK11):c.797A>C (p.Asn266Thr)

Gene: STK11 (serine/threonine kinase 11; plus strand). Cytogenetic location: 19p13.3.
Variant type: single nucleotide variant.
Coding change: c.797A>C on transcript NM_000455.5 (MANE Select); coding-DNA position 797, A replaced by C.
Protein change: p.Asn266Thr; replaces asparagine 266 with threonine.
Molecular consequence: missense variant.
Genome position (GRCh38, 1-based): chr19:1,221,275, A>C. VCF-style: chr19-1221275-A-C. GRCh37 (hg19) VCF-style: chr19-1221274-A-C.
Other names: c.797A>C, p.Asn266Thr (NM_001407255.1); short protein forms N266T.
Identifiers: ClinVar variation 1761445 (VCV001761445.2), dbSNP rs2145427007, ClinGen allele CA402950540.